The following is an entry in ClinVar:

ClinVar aggregate classification (germline): Uncertain significance (1 of 4 stars; one submission).

Submission:

Labcorp Genetics (formerly Invitae), Labcorp
Classification: Uncertain significance. Last evaluated: 2024-01-24. Review status: criteria provided, single submitter. Criteria: Invitae Variant Classification Sherloc (09022015). Collection method: clinical testing. Allele origin: germline.
Comment: This variant is a gross deletion of the genomic region encompassing exon(s) 3 of the NEFH gene. While this deletion is not anticipated to lead to nonsense mediated decay, it is expected to disrupt the C-terminus of the protein. This variant has not been reported in the literature in individuals affected with NEFH-related conditions. Experimental studies and prediction algorithms are not available or were not evaluated, and the functional significance of this variant is currently unknown. In summary, the available evidence is currently insufficient to determine the role of this variant in disease. Therefore, it has been classified as a Variant of Uncertain Significance.

NC_000022.10:g.(?_29881692)_(29881856_?)del

Gene: NEFH (neurofilament heavy chain; plus strand). Cytogenetic location: 22q12.2.
Variant type: Deletion.
Identifiers: ClinVar variation 2426662 (VCV002426662.4).